The following is an entry in ClinVar:

ClinVar aggregate classification (germline): Pathogenic (1 of 4 stars; one submission).

Conditions:
Very long chain acyl-CoA dehydrogenase deficiency (ACADVLD). Also called: Very Long-Chain Acyl-Coenzyme A Dehydrogenase Deficiency; VLCAD Deficiency. Identifiers: Orphanet 26793, MedGen C3887523, MONDO:0008723, OMIM 201475.

Submission:

Labcorp Genetics (formerly Invitae), Labcorp
Classification: Pathogenic for Very long chain acyl-CoA dehydrogenase deficiency. Last evaluated: 2023-04-01. Review status: criteria provided, single submitter. Criteria: Invitae Variant Classification Sherloc (09022015). Collection method: clinical testing. Allele origin: germline.
Comment: This sequence change creates a premature translational stop signal (p.Asp431Argfs*2) in the ACADVL gene. It is expected to result in an absent or disrupted protein product. Loss-of-function variants in ACADVL are known to be pathogenic (PMID: 9973285, 11590124). For these reasons, this variant has been classified as Pathogenic. This variant has not been reported in the literature in individuals affected with ACADVL-related conditions. This variant is not present in population databases (gnomAD no frequency).

Literature cited by the submitters: PubMed 9973285; PubMed 11590124.

NM_000018.4(ACADVL):c.1290dup (p.Asp431fs)

Gene: ACADVL (acyl-CoA dehydrogenase very long chain; plus strand). Cytogenetic location: 17p13.1.
Variant type: Duplication.
Coding change: c.1290dup on transcript NM_000018.4 (MANE Select); coding-DNA position 1290, one base duplicated (A; older notation c.1290dupA).
Protein change: p.Asp431fs; shifts the reading frame from aspartic acid 431.
Molecular consequence: frameshift variant.
Genome position (GRCh38, 1-based): chr17:7,223,833, A duplicated. VCF-style (leftmost placement, unchanged base first): chr17-7223832-C-CA. GRCh37 (hg19) VCF-style: chr17-7127151-C-CA.
Other names: c.1224dup, p.Asp409fs (NM_001033859.3); c.1359dup, p.Asp454fs (NM_001270447.2); c.1062dup, p.Asp355fs (NM_001270448.2); short protein forms D431fs, D454fs, D355fs, D409fs.
Identifiers: ClinVar variation 2851515 (VCV002851515.3), dbSNP rs2508344385, ClinGen allele CA2739267103.